The following is an entry in ClinVar:

NM_182914.3(SYNE2):c.4242T>A (p.His1414Gln)

Gene: SYNE2 (spectrin repeat containing nuclear envelope protein 2; plus strand). Cytogenetic location: 14q23.2.
Variant type: single nucleotide variant.
Coding change: c.4242T>A on transcript NM_182914.3 (MANE Select); coding-DNA position 4242, T replaced by A.
Protein change: p.His1414Gln; replaces histidine 1414 with glutamine.
Molecular consequence: missense variant.
Genome position (GRCh38, 1-based): chr14:64,003,175, T>A. VCF-style: chr14-64003175-T-A. GRCh37 (hg19) VCF-style: chr14-64469893-T-A.
Other names: c.4242T>A, p.His1414Gln (NM_015180.6); short protein forms H1414Q.
Identifiers: ClinVar variation 2817940 (VCV002817940.3), dbSNP rs2551004376, ClinGen allele CA389999783.

ClinVar aggregate classification (germline): Uncertain significance (1 of 4 stars; one submission).

Conditions:
Emery-Dreifuss muscular dystrophy 5, autosomal dominant (EDMD5). Also called: EMERY-DREIFUSS MUSCULAR DYSTROPHY 5. Identifiers: Orphanet 261, MedGen C2751805, MONDO:0013072, OMIM 612999.

Submission:

Labcorp Genetics (formerly Invitae), Labcorp
Classification: Uncertain significance for Emery-Dreifuss muscular dystrophy 5, autosomal dominant. Last evaluated: 2022-12-04. Review status: criteria provided, single submitter. Criteria: Invitae Variant Classification Sherloc (09022015). Collection method: clinical testing. Allele origin: germline.
Comment: In summary, the available evidence is currently insufficient to determine the role of this variant in disease. Therefore, it has been classified as a Variant of Uncertain Significance. This variant is not present in population databases (gnomAD no frequency). This sequence change replaces histidine, which is basic and polar, with glutamine, which is neutral and polar, at codon 1414 of the SYNE2 protein (p.His1414Gln). This variant has not been reported in the literature in individuals affected with SYNE2-related conditions. Algorithms developed to predict the effect of missense changes on protein structure and function output the following: SIFT: "Tolerated"; PolyPhen-2: "Benign"; Align-GVGD: "Class C0". The glutamine amino acid residue is found in multiple mammalian species, which suggests that this missense change does not adversely affect protein function.